The following is an entry in ClinVar:

NC_000015.10:g.(?_44595239)_(44600652_?)del

Genes: SPG11 (SPG11 vesicle trafficking associated, spatacsin; minus strand), LOC130056973 (ATAC-STARR-seq lymphoblastoid active region 9341; plus strand). Cytogenetic location: 15q21.1.
Variant type: Deletion.
Identifiers: ClinVar variation 534914 (VCV000534914.2).

ClinVar aggregate classification (germline): Pathogenic (1 of 4 stars; one submission).

Conditions:
Hereditary spastic paraplegia 11. Also called: Nakamura Osame syndrome; Autosomal recessive hereditary spastic paraplegia, mental impairment, and thin corpus callosum; Spastic paraplegia, mental retardation and thin corpus callosum; SPASTIC PARAPLEGIA, AUTOSOMAL RECESSIVE, COMPLICATED, WITH THIN CORPUS CALLOSUM; SPASTIC PARAPLEGIA, AUTOSOMAL RECESSIVE, WITH MENTAL IMPAIRMENT AND THIN CORPUS CALLOSUM; Spastic Paraplegia 11. Identifiers: Orphanet 2822, MedGen C1858479, MONDO:0011445, OMIM 604360.

Submission:

Labcorp Genetics (formerly Invitae), Labcorp
Classification: Pathogenic for Spastic paraplegia 11, autosomal recessive. Last evaluated: 2019-04-17. Review status: criteria provided, single submitter. Criteria: Invitae Variant Classification Sherloc (09022015). Collection method: clinical testing. Allele origin: germline.
Comment: This variant is an out-of-frame deletion of the genomic region encompassing exons 21-26 of the SPG11 gene. This is expected to create a premature translational stop signal and result in an absent or disrupted protein product. This variant has not been reported in the literature in individuals with SPG11-related conditions. Loss-of-function variants in SPG11 are known to be pathogenic (PMID: 19105190, 20110243, 22154821, 26556829). For these reasons, this variant has been classified as Pathogenic.

Literature cited by the submitters: PubMed 19105190; PubMed 20110243; PubMed 22154821; PubMed 26556829.